The following is an entry in ClinVar:

ClinVar aggregate classification (germline): Uncertain significance (1 of 4 stars; one submission).

Conditions:
Immunodeficiency 104. Also called: Severe Combined Immune Deficiency, Autosomal Recessive, TCell -Negative, B Cell-Positive, NK Cell-Positive, IL7R-Related; Severe combined immunodeficiency, autosomal recessive, T cell-negative, B cell-positive, NK cell-positive; SCID, AUTOSOMAL RECESSIVE, T CELL-NEGATIVE, B CELL-POSITIVE, NK CELL-POSITIVE; IMMUNODEFICIENCY 104, SEVERE COMBINED. Identifiers: MedGen C5676890, MONDO:0012163, OMIM 608971.

gnomAD v4.1: 1 of 1,614,094 alleles (0.000062%); no homozygotes.

Submission:

Labcorp Genetics (formerly Invitae), Labcorp
Classification: Uncertain significance for Immunodeficiency 104. Last evaluated: 2025-07-09. Review status: criteria provided, single submitter. Criteria: Invitae Variant Classification Sherloc (09022015). Collection method: clinical testing. Allele origin: germline.
Comment: This sequence change replaces valine, which is neutral and non-polar, with leucine, which is neutral and non-polar, at codon 85 of the PTPRC protein (p.Val85Leu). This variant is not present in population databases (gnomAD no frequency). This variant has not been reported in the literature in individuals affected with PTPRC-related conditions. An algorithm developed to predict the effect of missense changes on protein structure and function (PolyPhen-2) suggests that this variant is likely to be tolerated. In summary, the available evidence is currently insufficient to determine the role of this variant in disease. Therefore, it has been classified as a Variant of Uncertain Significance.

NM_002838.5(PTPRC):c.253G>T (p.Val85Leu)

Gene: PTPRC (protein tyrosine phosphatase receptor type C; plus strand). Cytogenetic location: 1q31.3.
Variant type: single nucleotide variant.
Coding change: c.253G>T on transcript NM_002838.5 (MANE Select); coding-DNA position 253, G replaced by T.
Protein change: p.Val85Leu; replaces valine 85 with leucine.
Molecular consequence: missense variant. On other transcripts: intron variant (1).
Genome position (GRCh38, 1-based): chr1:198,696,864, G>T. VCF-style: chr1-198696864-G-T. GRCh37 (hg19) VCF-style: chr1-198665993-G-T.
Other names: c.100+4491G>T (NM_080921.4); short protein forms V85L.
Identifiers: ClinVar variation 4703330 (VCV004703330.1).